The following is an entry in ClinVar:

ClinVar aggregate classification (germline): Uncertain significance. Review status: criteria provided, multiple submitters, no conflicts (2 of 4 stars). 2 submissions from 2 submitters: Uncertain significance (2). Last evaluated 2025-10-18.

Conditions:
Inborn genetic diseases. Identifiers: MedGen C0950123, MeSH D030342.

Allele frequency attached by ClinVar (database versions not stated): ExAC 0.00001.
gnomAD v4.1: 3 of 1,613,642 alleles (0.00019%); highest among the groups gnomAD compares: Middle Eastern, 0.017%; no homozygotes.

Submissions (2):

Ambry Genetics
Classification: Uncertain significance for Inborn genetic diseases. Last evaluated: 2025-10-18. Review status: criteria provided, single submitter. Criteria: Ambry Variant Classification Scheme 2023. Collection method: clinical testing. Allele origin: germline.

Labcorp Genetics (formerly Invitae), Labcorp
Classification: Uncertain significance. Last evaluated: 2022-07-30. Review status: criteria provided, single submitter. Criteria: Invitae Variant Classification Sherloc (09022015). Collection method: clinical testing. Allele origin: germline.
Comment: This sequence change replaces arginine, which is basic and polar, with histidine, which is basic and polar, at codon 283 of the ERCC3 protein (p.Arg283His). This variant is present in population databases (rs749390618, gnomAD 0.003%). This variant has not been reported in the literature in individuals affected with ERCC3-related conditions. Algorithms developed to predict the effect of missense changes on protein structure and function are either unavailable or do not agree on the potential impact of this missense change (SIFT: "Deleterious"; PolyPhen-2: "Possibly Damaging"; Align-GVGD: "Class C0"). In summary, the available evidence is currently insufficient to determine the role of this variant in disease. Therefore, it has been classified as a Variant of Uncertain Significance.

NM_000122.2(ERCC3):c.848G>A (p.Arg283His)

Gene: ERCC3 (ERCC excision repair 3, TFIIH core complex helicase subunit; minus strand). Cytogenetic location: 2q14.3.
Variant type: single nucleotide variant.
Coding change: c.848G>A on transcript NM_000122.2 (MANE Select); coding-DNA position 848, G replaced by A.
Protein change: p.Arg283His; replaces arginine 283 with histidine.
Molecular consequence: missense variant.
Genome position (GRCh38, 1-based): chr2:127,288,839, C>T on the plus strand (G>A on the coding strand, the complement: ERCC3 is on the minus strand). VCF-style: chr2-127288839-C-T. GRCh37 (hg19) VCF-style: chr2-128046415-C-T.
Other names: c.656G>A, p.Arg219His (NM_001303416.2, NM_001303418.2); short protein forms R219H, R283H.
Identifiers: ClinVar variation 1937211 (VCV001937211.4), dbSNP rs749390618, ClinGen allele CA1858420.
Genomic context (GRCh38, chr2:127,288,839, plus strand): 5'-TTGACAGAATCATTCCGGAAGTCATATTCTGCCAACAGAGGGTACTCCAGGTGGATGCAA[C>T]GTTTCTGGAGTTCCTCAATCATTTCCTGGAAAGAGGGCACAAAAGGGGTTTTAAAATCTT-3'
Protein context (NP_000113.1, residues 273-293): KQEMIEELQK[Arg283His]CIHLEYPLLA